The following is an entry in ClinVar:

NM_014991.6(WDFY3):c.6176G>A (p.Gly2059Asp)

Gene: WDFY3 (WD repeat and FYVE domain containing 3; minus strand). Cytogenetic location: 4q21.23.
Variant type: single nucleotide variant.
Coding change: c.6176G>A on transcript NM_014991.6 (MANE Select); coding-DNA position 6176, G replaced by A.
Protein change: p.Gly2059Asp; replaces glycine 2059 with aspartic acid.
Molecular consequence: missense variant.
Genome position (GRCh38, 1-based): chr4:84,741,819, C>T on the plus strand (G>A on the coding strand, the complement: WDFY3 is on the minus strand). VCF-style: chr4-84741819-C-T. GRCh37 (hg19) VCF-style: chr4-85662972-C-T.
Other names: short protein forms G2059D.
Identifiers: ClinVar variation 4528187 (VCV004528187.1).

ClinVar aggregate classification (germline): Uncertain significance (1 of 4 stars; one submission).

Submission:

GeneDx
Classification: Uncertain significance. Last evaluated: 2025-05-10. Review status: criteria provided, single submitter. Criteria: GeneDx Variant Classification Process June 2021. Collection method: clinical testing. Allele origin: germline. Affected: yes.
Comment: Not observed at significant frequency in large population cohorts (gnomAD); In silico analysis supports that this missense variant has a deleterious effect on protein structure/function; Has not been previously published as pathogenic or benign to our knowledge; In silico analysis suggests this variant may impact gene splicing. In the absence of RNA/functional studies, the actual effect of this sequence change is unknown.